The following is an entry in ClinVar:

ClinVar aggregate classification (germline): Pathogenic (1 of 4 stars; one submission).

Submission:

GeneDx
Classification: Pathogenic. Last evaluated: 2024-11-11. Review status: criteria provided, single submitter. Criteria: GeneDx Variant Classification Process June 2021. Collection method: clinical testing. Allele origin: germline. Affected: yes.
Comment: Not observed at significant frequency in large population cohorts (gnomAD); In silico analysis supports that this missense variant has a deleterious effect on protein structure/function; This variant is associated with the following publications: (PMID: 35982159, 33057194)

NM_022455.5(NSD1):c.6170A>G (p.Asn2057Ser)

Gene: NSD1 (nuclear receptor binding SET domain protein 1; plus strand). Cytogenetic location: 5q35.3.
Variant type: single nucleotide variant.
Coding change: c.6170A>G on transcript NM_022455.5 (MANE Select); coding-DNA position 6170, A replaced by G.
Protein change: p.Asn2057Ser; replaces asparagine 2057 with serine.
Molecular consequence: missense variant.
Genome position (GRCh38, 1-based): chr5:177,288,837, A>G. VCF-style: chr5-177288837-A-G. GRCh37 (hg19) VCF-style: chr5-176715838-A-G.
Other names: c.5297A>G, p.Asn1766Ser (NM_001365684.2, NM_001409308.1, NM_172349.5); c.6170A>G, p.Asn2057Ser (NM_001409301.1, NM_001409302.1, NM_001409303.1); c.5750A>G, p.Asn1917Ser (NM_001409304.1); c.5417A>G, p.Asn1806Ser (NM_001409305.1); c.5408A>G, p.Asn1803Ser (NM_001409306.1, NM_001409307.1); short protein forms N2057S, N1788S, N1766S, N1917S, N1803S, N1806S.
Identifiers: ClinVar variation 449076 (VCV000449076.3), dbSNP rs1554205939, ClinGen allele CA362317853.
Genomic context (GRCh38, chr5:177,288,837, plus strand): 5'-TTAAAACCATAGATATTAATATTTTCACGGTCTCTTATGCAGGCACTGAACTTACCTTCA[A>G]CTACAACCTAGAATGTCTTGGGAATGGAAAGACTGTTTGCAAATGTGGAGCCCCGAACTG-3'
Protein context (NP_071900.2, residues 2047-2067): DIKAGTELTF[Asn2057Ser]YNLECLGNGK